The following is an entry in ClinVar:

ClinVar aggregate classification (germline): Uncertain significance (1 of 4 stars; one submission).

Conditions:
Inborn genetic diseases. Identifiers: MedGen C0950123, MeSH D030342.

gnomAD v4.1: 24 of 1,548,860 alleles (0.0015%); highest among the groups gnomAD compares: East Asian, 0.0025%; no homozygotes.

Submission:

Ambry Genetics
Classification: Uncertain significance for Inborn genetic diseases. Last evaluated: 2026-01-14. Review status: criteria provided, single submitter. Criteria: Ambry Variant Classification Scheme 2023. Collection method: clinical testing. Allele origin: germline.
Comment: The c.286C>T (p.R96W) alteration is located in exon 3 (coding exon 3) of the ATAD3A gene. This alteration results from a C to T substitution at nucleotide position 286, causing the arginine (R) at amino acid position 96 to be replaced by a tryptophan (W). Based on data from gnomAD, the T allele has an overall frequency of 0.001% (2/153474) total alleles studied. The highest observed frequency was 0.012% (1/8126) of African alleles. Based on insufficient or conflicting evidence, the clinical significance of this alteration remains unclear.

NM_001170535.3(ATAD3A):c.283-141C>T

Gene: ATAD3A (ATPase family AAA domain containing 3A; plus strand). Cytogenetic location: 1p36.33.
Variant type: single nucleotide variant.
Coding change: c.283-141C>T on transcript NM_001170535.3 (MANE Select); 141 bases into the intron before coding-DNA position 283, C replaced by T.
Molecular consequence: intron variant. On other transcripts: missense variant (1).
Genome position (GRCh38, 1-based): chr1:1,517,170, C>T. VCF-style: chr1-1517170-C-T. GRCh37 (hg19) VCF-style: chr1-1452550-C-T.
Other names: c.286C>T, p.Arg96Trp (NM_018188.5); c.46-141C>T (NM_001170536.3); short protein forms R96W.
Identifiers: ClinVar variation 4832574 (VCV004832574.1).